The following is an entry in ClinVar:

ClinVar aggregate classification (germline): Uncertain significance (1 of 4 stars; one submission).

Conditions:
Very long chain acyl-CoA dehydrogenase deficiency (ACADVLD). Also called: Very Long-Chain Acyl-Coenzyme A Dehydrogenase Deficiency; VLCAD Deficiency. Identifiers: Orphanet 26793, MedGen C3887523, MONDO:0008723, OMIM 201475.

Submission:

Labcorp Genetics (formerly Invitae), Labcorp
Classification: Uncertain significance for Very long chain acyl-CoA dehydrogenase deficiency. Last evaluated: 2021-04-23. Review status: criteria provided, single submitter. Criteria: Invitae Variant Classification Sherloc (09022015). Collection method: clinical testing. Allele origin: germline.
Comment: In summary, the available evidence is currently insufficient to determine the role of this variant in disease. Therefore, it has been classified as a Variant of Uncertain Significance. This sequence change replaces valine with glycine at codon 87 of the ACADVL protein (p.Val87Gly). The valine residue is highly conserved and there is a moderate physicochemical difference between valine and glycine. This variant is not present in population databases (ExAC no frequency). This variant has not been reported in the literature in individuals with ACADVL-related conditions. Algorithms developed to predict the effect of missense changes on protein structure and function (SIFT, PolyPhen-2, Align-GVGD) all suggest that this variant is likely to be disruptive, but these predictions have not been confirmed by published functional studies and their clinical significance is uncertain.

NM_000018.4(ACADVL):c.260T>G (p.Val87Gly)

Gene: ACADVL (acyl-CoA dehydrogenase very long chain; plus strand). Cytogenetic location: 17p13.1.
Variant type: single nucleotide variant.
Coding change: c.260T>G on transcript NM_000018.4 (MANE Select); coding-DNA position 260, T replaced by G.
Protein change: p.Val87Gly; replaces valine 87 with glycine.
Molecular consequence: missense variant.
Genome position (GRCh38, 1-based): chr17:7,220,659, T>G. VCF-style: chr17-7220659-T-G. GRCh37 (hg19) VCF-style: chr17-7123978-T-G.
Other names: c.194T>G, p.Val65Gly (NM_001033859.3); c.329T>G, p.Val110Gly (NM_001270447.2); c.32T>G, p.Val11Gly (NM_001270448.2); short protein forms V65G, V87G, V11G, V110G.
Identifiers: ClinVar variation 1445229 (VCV001445229.8), dbSNP rs796051907, ClinGen allele CA397722445.